The following is an entry in ClinVar:

NM_000760.4(CSF3R):c.2234G>C (p.Gly745Ala)

Gene: CSF3R (colony stimulating factor 3 receptor; minus strand). Cytogenetic location: 1p34.3.
Variant type: single nucleotide variant.
Coding change: c.2234G>C on transcript NM_000760.4 (MANE Select); coding-DNA position 2234, G replaced by C.
Protein change: p.Gly745Ala; replaces glycine 745 with alanine.
Molecular consequence: missense variant.
Genome position (GRCh38, 1-based): chr1:36,466,634, C>G on the plus strand (G>C on the coding strand, the complement: CSF3R is on the minus strand). VCF-style: chr1-36466634-C-G. GRCh37 (hg19) VCF-style: chr1-36932235-C-G.
Other names: c.2315G>C, p.Gly772Ala (NM_156039.3); c.2234G>C, p.Gly745Ala (NM_172313.3); short protein forms G745A, G772A.
Identifiers: ClinVar variation 4711611 (VCV004711611.1).
Genomic context (GRCh38, chr1:36,466,634, plus strand): 5'-CCTGGCCCTGGGCTTGTGGGGCTGCCCAGCAGCTGCCCATAAAGGACCTGATCGCTGGTG[C>G]CAGACTGGGATTGGGGCTGGGTGGAAACTGCTCTTGGGTCCCCCTGGAGCACATAGGTCT-3'
Protein context (NP_000751.1, residues 735-755): AVSTQPQSQS[Gly745Ala]TSDQVLYGQL

ClinVar aggregate classification (germline): Uncertain significance (1 of 4 stars; one submission).

Conditions:
Autosomal recessive severe congenital neutropenia due to CSF3R deficiency. Also called: Neutropenia, severe congenital, 7, autosomal recessive. Identifiers: Orphanet 420702, MedGen C4310764, MONDO:0014865, OMIM 617014.

Submission:

Labcorp Genetics (formerly Invitae), Labcorp
Classification: Uncertain significance for Autosomal recessive severe congenital neutropenia due to CSF3R deficiency. Last evaluated: 2025-02-20. Review status: criteria provided, single submitter. Criteria: Invitae Variant Classification Sherloc (09022015). Collection method: clinical testing. Allele origin: germline.
Comment: This sequence change replaces glycine, which is neutral and non-polar, with alanine, which is neutral and non-polar, at codon 745 of the CSF3R protein (p.Gly745Ala). This variant is not present in population databases (gnomAD no frequency). This variant has not been reported in the literature in individuals affected with CSF3R-related conditions. Invitae Evidence Modeling of protein sequence and biophysical properties (such as structural, functional, and spatial information, amino acid conservation, physicochemical variation, residue mobility, and thermodynamic stability) indicates that this missense variant is not expected to disrupt CSF3R protein function with a negative predictive value of 80%. In summary, the available evidence is currently insufficient to determine the role of this variant in disease. Therefore, it has been classified as a Variant of Uncertain Significance.